The following is an entry in ClinVar:

NM_020932.3(MAGEE1):c.479C>T (p.Pro160Leu)

Gene: MAGEE1 (MAGE family member E1; plus strand). Cytogenetic location: Xq13.3.
Variant type: single nucleotide variant.
Coding change: c.479C>T on transcript NM_020932.3 (MANE Select); coding-DNA position 479, C replaced by T.
Protein change: p.Pro160Leu; replaces proline 160 with leucine.
Molecular consequence: missense variant.
Genome position (GRCh38, 1-based): chrX:76,428,409, C>T. VCF-style: chrX-76428409-C-T. GRCh37 (hg19) VCF-style: chrX-75648802-C-T.
Other names: short protein forms P160L.
Identifiers: ClinVar variation 4859476 (VCV004859476.1).

ClinVar aggregate classification (germline): Uncertain significance (1 of 4 stars; one submission).

Submission:

Ambry Genetics
Classification: Uncertain significance. Last evaluated: 2026-05-11. Review status: criteria provided, single submitter. Criteria: Ambry Variant Classification Scheme 2023. Collection method: clinical testing. Allele origin: germline.
Comment: The c.479C>T (p.P160L) alteration is located in exon 1 (coding exon 1) of the MAGEE1 gene. This alteration results from a C to T substitution at nucleotide position 479, causing the proline (P) at amino acid position 160 to be replaced by a leucine (L). Based on data from gnomAD, the T allele has an overall frequency of 0.001% (2/201300) total alleles studied. The highest observed frequency was 0.002% (2/89802) of European (non-Finnish) alleles. Based on insufficient or conflicting evidence, the clinical significance of this alteration remains unclear.